The following is an entry in ClinVar:

ClinVar aggregate classification (germline): Uncertain significance (1 of 4 stars; one submission).

Conditions:
Inclusion body myopathy with early-onset Paget disease with or without frontotemporal dementia 2 (IBMPFD2). Also called: MULTISYSTEM PROTEINOPATHY 2. Identifiers: MedGen C3809468, MONDO:0014178, OMIM 615422.

Submission:

Labcorp Genetics (formerly Invitae), Labcorp
Classification: Uncertain significance for Inclusion body myopathy with early-onset Paget disease with or without frontotemporal dementia 2. Last evaluated: 2021-12-23. Review status: criteria provided, single submitter. Criteria: Invitae Variant Classification Sherloc (09022015). Collection method: clinical testing. Allele origin: germline.
Comment: This sequence change replaces glycine, which is neutral and non-polar, with cysteine, which is neutral and slightly polar, at codon 235 of the HNRNPA2B1 protein (p.Gly235Cys). This variant is not present in population databases (gnomAD no frequency). This variant has not been reported in the literature in individuals affected with HNRNPA2B1-related conditions. Algorithms developed to predict the effect of missense changes on protein structure and function are either unavailable or do not agree on the potential impact of this missense change (SIFT: "Deleterious"; PolyPhen-2: "Not Available"; Align-GVGD: "Class C65"). In summary, the available evidence is currently insufficient to determine the role of this variant in disease. Therefore, it has been classified as a Variant of Uncertain Significance.

NM_002137.4(HNRNPA2B1):c.667G>T (p.Gly223Cys)

Gene: HNRNPA2B1 (heterogeneous nuclear ribonucleoprotein A2/B1; minus strand). Cytogenetic location: 7p15.2.
Variant type: single nucleotide variant.
Coding change: c.667G>T on transcript NM_002137.4 (MANE Select); coding-DNA position 667, G replaced by T.
Protein change: p.Gly223Cys; replaces glycine 223 with cysteine.
Molecular consequence: missense variant.
Genome position (GRCh38, 1-based): chr7:26,195,901, C>A on the plus strand (G>T on the coding strand, the complement: HNRNPA2B1 is on the minus strand). VCF-style: chr7-26195901-C-A. GRCh37 (hg19) VCF-style: chr7-26235521-C-A.
Other names: c.703G>T, p.Gly235Cys (NM_031243.4); short protein forms G223C, G235C.
Identifiers: ClinVar variation 2054834 (VCV002054834.4), dbSNP rs1408443734, ClinGen allele CA367077420.